The following is an entry in ClinVar:

ClinVar aggregate classification (germline): Uncertain significance (1 of 4 stars; one submission).

Conditions:
Tietz syndrome (TADS). Also called: ALBINISM-DEAFNESS OF TIETZ; HYPOPIGMENTATION/DEAFNESS OF TIETZ; TIETZ ALBINISM-DEAFNESS SYNDROME. Identifiers: Orphanet 42665, MedGen C0391816, MONDO:0007077, OMIM 103500.
Waardenburg syndrome type 2A (WS2A). Also called: WAARDENBURG SYNDROME WITHOUT DYSTOPIA CANTHORUM. Identifiers: Orphanet 3440, MedGen C1860339, MONDO:0008671, OMIM 193510.
Melanoma, cutaneous malignant, susceptibility to, 8. Also called: MELANOMA AND RENAL CELL CARCINOMA, SUSCEPTIBILITY TO; Cutaneous malignant melanoma 8. Identifiers: Orphanet 293822, MedGen C3152204, MONDO:0013759, OMIM 614456.

Allele frequency attached by ClinVar (database versions not stated): ExAC 0.00001.

Submission:

Labcorp Genetics (formerly Invitae), Labcorp
Classification: Uncertain significance for Melanoma, cutaneous malignant, susceptibility to, 8; Waardenburg syndrome type 2A; Tietz syndrome. Last evaluated: 2024-09-05. Review status: criteria provided, single submitter. Criteria: Invitae Variant Classification Sherloc (09022015). Collection method: clinical testing. Allele origin: germline.
Comment: This sequence change replaces serine, which is neutral and polar, with cysteine, which is neutral and slightly polar, at codon 112 of the MITF protein (p.Ser112Cys). This variant is present in population databases (rs759713640, gnomAD 0.006%). This variant has not been reported in the literature in individuals affected with MITF-related conditions. An algorithm developed to predict the effect of missense changes on protein structure and function (PolyPhen-2) suggests that this variant is likely to be disruptive. In summary, the available evidence is currently insufficient to determine the role of this variant in disease. Therefore, it has been classified as a Variant of Uncertain Significance.

NM_001354604.2(MITF):c.656C>G (p.Ser219Cys)

Gene: MITF (melanocyte inducing transcription factor; plus strand). Cytogenetic location: 3p13.
Variant type: single nucleotide variant.
Coding change: c.656C>G on transcript NM_001354604.2 (MANE Select); coding-DNA position 656, C replaced by G.
Protein change: p.Ser219Cys; replaces serine 219 with cysteine.
Molecular consequence: missense variant.
Genome position (GRCh38, 1-based): chr3:69,939,171, C>G. VCF-style: chr3-69939171-C-G. GRCh37 (hg19) VCF-style: chr3-69988322-C-G.
Other names: c.335C>G, p.Ser112Cys (NM_000248.4, NM_198158.3); c.500C>G, p.Ser167Cys (NM_001184967.2, NM_001354608.2); c.653C>G, p.Ser218Cys (NM_001354605.2, NM_001354606.2, NM_006722.3); c.605C>G, p.Ser202Cys (NM_001354607.2); c.656C>G, p.Ser219Cys (NM_198159.3); c.608C>G, p.Ser203Cys (NM_198177.3); c.167C>G, p.Ser56Cys (NM_198178.3); short protein forms S112C, S202C, S203C, S167C, S218C, S219C, S56C.
Identifiers: ClinVar variation 2945174 (VCV002945174.3), dbSNP rs759713640, ClinGen allele CA2490413.
Genomic context (GRCh38, chr3:69,939,171, plus strand): 5'-TTGAAGAGCAAAACAGGGCAGAGAGCGAGTGCCCAGGCATGAACACACATTCACGAGCGT[C>G]CTGTATGCAGGTACTGAATGACTTGGCAGCCTGAGGATGAACACTTTGTAATGAGAATCT-3'
Protein context (NP_001341533.1, residues 209-229): CPGMNTHSRA[Ser219Cys]CMQMDDVIDD